The following is an entry in ClinVar:

ClinVar aggregate classification (germline): Pathogenic. Review status: criteria provided, single submitter (1 of 4 stars). 3 submissions from 3 submitters: Pathogenic (1). 2 of the submissions do not count toward it. Last evaluated 2024-07-16.

Conditions:
Charcot-Marie-Tooth disease, type I (CMT1). Also called: Charcot-Marie-Tooth, Type 1; Charcot-Marie-Tooth disease type 1. Identifiers: Orphanet 65753, MedGen C0751036, MONDO:0019011.
Charcot-Marie-Tooth disease. Also called: Charcot-Marie-Tooth Hereditary Neuropathy; Charcot-Marie-Tooth Neuropathy. Identifiers: Orphanet 166, MedGen C0007959, MONDO:0015626.
Charcot-Marie-Tooth disease type 1B. Also called: Charcot-Marie-Tooth disease, type IB; Charcot-Marie-Tooth disease, demyelinating, type 1b; Hereditary motor and sensory neuropathy 1B; CHARCOT-MARIE-TOOTH DISEASE, AUTOSOMAL DOMINANT, WITH FOCALLY FOLDED MYELIN SHEATHS, TYPE 1B; CHARCOT-MARIE-TOOTH DISEASE, SLOW NERVE CONDUCTION TYPE, LINKED TO DUFFY; CHARCOT-MARIE-TOOTH NEUROPATHY, TYPE 1B. Identifiers: Orphanet 101082, MedGen C0270912, MONDO:0007307, OMIM 118200.

Submissions (3):

Labcorp Genetics (formerly Invitae), Labcorp
Classification: Pathogenic for Charcot-Marie-Tooth disease, type I. Last evaluated: 2024-07-16. Review status: criteria provided, single submitter. Criteria: Invitae Variant Classification Sherloc (09022015). Collection method: clinical testing. Allele origin: germline.
Comment: This sequence change replaces lysine, which is basic and polar, with glutamic acid, which is acidic and polar, at codon 96 of the MPZ protein (p.Lys96Glu). This variant is not present in population databases (gnomAD no frequency). This missense change has been observed in individual(s) with Charcot-Marie-Tooth disease type 1B (PMID: 7693129). It has also been observed to segregate with disease in related individuals. ClinVar contains an entry for this variant (Variation ID: 14166). Advanced modeling of protein sequence and biophysical properties (such as structural, functional, and spatial information, amino acid conservation, physicochemical variation, residue mobility, and thermodynamic stability) performed at Invitae indicates that this missense variant is not expected to disrupt MPZ protein function with a negative predictive value of 80%. For these reasons, this variant has been classified as Pathogenic.

OMIM
Classification: Pathogenic for CHARCOT-MARIE-TOOTH DISEASE, TYPE 1B. Last evaluated: 1994-01-01. Review status: no assertion criteria provided. Collection method: literature only. Allele origin: germline. Not counted in ClinVar's aggregate classification.

Inherited Neuropathy Consortium
Classification: Uncertain significance for Charcot-Marie-Tooth disease. Review status: no assertion criteria provided. Collection method: literature only. Allele origin: germline. Affected: yes. Not counted in ClinVar's aggregate classification.

Literature cited by the submitters: PubMed 7693129 (cited by 3 submitters); PubMed 7504284 (cited by OMIM); PubMed 7511317 (cited by OMIM).

NM_000530.8(MPZ):c.286A>G (p.Lys96Glu)

Gene: MPZ (myelin protein zero; minus strand). Cytogenetic location: 1q23.3.
Variant type: single nucleotide variant.
Coding change: c.286A>G on transcript NM_000530.8 (MANE Select); coding-DNA position 286, A replaced by G.
Protein change: p.Lys96Glu; replaces lysine 96 with glutamic acid.
Molecular consequence: missense variant.
Genome position (GRCh38, 1-based): chr1:161,306,870, T>C on the plus strand (A>G on the coding strand, the complement: MPZ is on the minus strand). VCF-style: chr1-161306870-T-C. GRCh37 (hg19) VCF-style: chr1-161276660-T-C.
Other names: c.286A>G, p.Lys96Glu (NM_001315491.2, LRG_256t1); short protein forms K96E.
Identifiers: ClinVar variation 14166 (VCV000014166.12), dbSNP rs121913583, ClinGen allele CA257142.